The following is an entry in ClinVar:

NM_030962.4(SBF2):c.3229G>A (p.Gly1077Arg)

Genes: SBF2 (SET binding factor 2; minus strand), LOC101928008 (uncharacterized LOC101928008; plus strand). Cytogenetic location: 11p15.4.
Variant type: single nucleotide variant.
Coding change: c.3229G>A on transcript NM_030962.4 (MANE Select); coding-DNA position 3229, G replaced by A.
Protein change: p.Gly1077Arg; replaces glycine 1077 with arginine.
Molecular consequence: missense variant.
Genome position (GRCh38, 1-based): chr11:9,842,652, C>T on the plus strand (G>A on the coding strand, the complement: SBF2 is on the minus strand). VCF-style: chr11-9842652-C-T. GRCh37 (hg19) VCF-style: chr11-9864199-C-T.
Other names: c.3229G>A, p.Gly1077Arg (NM_001386339.1); c.3100G>A, p.Gly1034Arg (NM_001386342.1); short protein forms G1077R, G1034R.
Identifiers: ClinVar variation 655858 (VCV000655858.11), dbSNP rs761048786, ClinGen allele CA5881342.

ClinVar aggregate classification (germline): Uncertain significance (1 of 4 stars; one submission).

Conditions:
Charcot-Marie-Tooth disease type 4. Also called: Charcot-Marie-Tooth disease, type IV; Charcot-Marie-Tooth, Type 4. Identifiers: Orphanet 64749, MedGen C4082197, MONDO:0018995.

Allele frequency attached by ClinVar (database versions not stated): gnomAD exomes below 0.00001; TOPMed below 0.00001; ExAC 0.00001.
gnomAD v4.1: 2 of 1,614,020 alleles (0.00012%); highest among the groups gnomAD compares: Non-Finnish European, 0.00017%; no homozygotes.

Submission:

Labcorp Genetics (formerly Invitae), Labcorp
Classification: Uncertain significance for Charcot-Marie-Tooth disease type 4. Last evaluated: 2020-12-30. Review status: criteria provided, single submitter. Criteria: Invitae Variant Classification Sherloc (09022015). Collection method: clinical testing. Allele origin: germline.
Comment: This sequence change replaces glycine with arginine at codon 1077 of the SBF2 protein (p.Gly1077Arg). The glycine residue is moderately conserved and there is a moderate physicochemical difference between glycine and arginine. This variant is present in population databases (rs761048786, ExAC 0.001%). This variant has not been reported in the literature in individuals with SBF2-related conditions. Algorithms developed to predict the effect of missense changes on protein structure and function are either unavailable or do not agree on the potential impact of this missense change (SIFT: "Deleterious"; PolyPhen-2: "Benign"; Align-GVGD: "Class C0"). In summary, the available evidence is currently insufficient to determine the role of this variant in disease. Therefore, it has been classified as a Variant of Uncertain Significance.